The following is an entry in ClinVar:

ClinVar aggregate classification (germline): Conflicting classifications of pathogenicity. Review status: criteria provided, conflicting classifications (1 of 4 stars). 2 submissions from 2 submitters: Uncertain significance (1); Likely benign (1). Last evaluated 2025-03-01.

Conditions:
Congenital contractural arachnodactyly (CCA). Also called: Arthrogryposis, distal, type 9; BEALS SYNDROME; Beals-Hecht syndrome. Identifiers: Orphanet 115, MedGen C0220668, MONDO:0007363, OMIM 121050.

Allele frequency attached by ClinVar (database versions not stated): TOPMed below 0.00001; ExAC 0.00001; gnomAD 0.00001; gnomAD exomes 0.00001.
gnomAD v4.1: 22 of 1,612,672 alleles (0.0014%); highest among the groups gnomAD compares: South Asian, 0.0055%; no homozygotes.

Submissions (2):

Labcorp Genetics (formerly Invitae), Labcorp
Classification: Likely benign for Congenital contractural arachnodactyly. Last evaluated: 2025-03-01. Review status: criteria provided, single submitter. Criteria: Invitae Variant Classification Sherloc (09022015). Collection method: clinical testing. Allele origin: germline.

GeneDx
Classification: Uncertain significance. Last evaluated: 2019-10-04. Review status: criteria provided, single submitter. Criteria: GeneDx Variant Classification Process June 2021. Collection method: clinical testing. Allele origin: germline. Affected: yes.
Comment: Has not been previously published as pathogenic or benign to our knowledge; Not observed at a significant frequency in large population cohorts (Lek et al., 2016); In silico analysis, which includes protein predictors and evolutionary conservation, supports a deleterious effect

NM_001999.4(FBN2):c.1525C>T (p.Arg509Cys)

Gene: FBN2 (fibrillin 2; minus strand). Cytogenetic location: 5q23.3.
Variant type: single nucleotide variant.
Coding change: c.1525C>T on transcript NM_001999.4 (MANE Select); coding-DNA position 1525, C replaced by T.
Protein change: p.Arg509Cys; replaces arginine 509 with cysteine.
Molecular consequence: missense variant.
Genome position (GRCh38, 1-based): chr5:128,392,096, G>A on the plus strand (C>T on the coding strand, the complement: FBN2 is on the minus strand). VCF-style: chr5-128392096-G-A. GRCh37 (hg19) VCF-style: chr5-127727789-G-A.
Other names: short protein forms R509C.
Identifiers: ClinVar variation 1309119 (VCV001309119.4), dbSNP rs775037345, ClinGen allele CA3395781.